The following is an entry in ClinVar:

ClinVar aggregate classification (germline): Uncertain significance (1 of 4 stars; one submission).

Conditions:
Hereditary cancer-predisposing syndrome. Also called: Neoplastic Syndromes, Hereditary; Tumor predisposition; Hereditary Cancer Syndrome; Hereditary neoplastic syndrome. Identifiers: Orphanet 140162, MedGen C0027672, MeSH D009386, MONDO:0015356.

Submission:

Ambry Genetics
Classification: Uncertain significance for Hereditary cancer-predisposing syndrome. Last evaluated: 2023-04-13. Review status: criteria provided, single submitter. Criteria: Ambry Variant Classification Scheme 2023. Collection method: clinical testing. Allele origin: germline.
Comment: The p.S873R variant (also known as c.2619T>A), located in coding exon 7 of the PALB2 gene, results from a T to A substitution at nucleotide position 2619. The serine at codon 873 is replaced by arginine, an amino acid with dissimilar properties. An alteration resulting in the same amino acid substitution, p.S873R (c.2617A>C), has been reported in 1 of 1824 patients with triple negative breast cancer (Couch FJ et al. J. Clin. Oncol. 2015 Feb;33:304-11). This amino acid position is highly conserved in available vertebrate species. In addition, this alteration is predicted to be tolerated by in silico analysis. Since supporting evidence is limited at this time, the clinical significance of this alteration remains unclear.

Literature cited by the submitters: PubMed 25452441.

NM_024675.4(PALB2):c.2619T>A (p.Ser873Arg)

Gene: PALB2 (partner and localizer of BRCA2; minus strand). Cytogenetic location: 16p12.2.
Variant type: single nucleotide variant.
Coding change: c.2619T>A on transcript NM_024675.4 (MANE Select); coding-DNA position 2619, T replaced by A.
Protein change: p.Ser873Arg; replaces serine 873 with arginine.
Molecular consequence: missense variant.
Genome position (GRCh38, 1-based): chr16:23,626,365, A>T on the plus strand (T>A on the coding strand, the complement: PALB2 is on the minus strand). VCF-style: chr16-23626365-A-T. GRCh37 (hg19) VCF-style: chr16-23637686-A-T.
Other names: short protein forms S873R.
Identifiers: ClinVar variation 482062 (VCV000482062.6), dbSNP rs587782387, ClinGen allele CA395122196.